The following is an entry in ClinVar:

ClinVar aggregate classification (germline): Conflicting classifications of pathogenicity. Review status: criteria provided, conflicting classifications (1 of 4 stars). 10 submissions from 10 submitters: Uncertain significance (1); Benign (2); Likely benign (3). 4 of the submissions do not count toward it. Last evaluated 2026-01-27.

Conditions:
Kidney disorder. Also called: Nephropathy; renal disorder; Kidney disease; Kidney Diseases; renal disease. Identifiers: MedGen C0022658, MONDO:0005240, HP:0000112.
Alport syndrome. Also called: Hemorrhagic familial nephritis; Hemorrhagic hereditary nephritis; Congenital hereditary hematuria. Identifiers: Orphanet 63, MedGen C1567741, MONDO:0018965.
COL4A4-related disorder.

Allele frequency attached by ClinVar (database versions not stated): 1000 Genomes Project 30x 0.00187; TOPMed 0.00217; 1000 Genomes Project 0.00220; ESP Exome Variant Server 0.00234; gnomAD 0.00245.
gnomAD v4.1: 681 of 1,614,068 alleles (0.042%); highest among the groups gnomAD compares: African/African-American, 0.65%; 3 homozygotes.

Submissions (10):

Labcorp Genetics (formerly Invitae), Labcorp
Classification: Benign. Last evaluated: 2026-01-27. Review status: criteria provided, single submitter. Criteria: Invitae Variant Classification Sherloc (09022015). Collection method: clinical testing. Allele origin: germline.

CeGaT Center for Human Genetics Tuebingen
Classification: Likely benign. Last evaluated: 2026-01-01. Review status: criteria provided, single submitter. Criteria: CeGaT Center For Human Genetics Tuebingen Variant Classification Criteria Version 2. Collection method: clinical testing. Allele origin: germline. Affected: yes. Observed: 3 variant alleles.
Comment: COL4A4: BP4, BP7

Blueprint Genetics
Classification: Likely benign. Last evaluated: 2024-09-18. Review status: criteria provided, single submitter. Criteria: ACMG Guidelines, 2015. Collection method: clinical testing. Allele origin: germline.

GeneDx
Classification: Benign. Last evaluated: 2018-07-05. Review status: criteria provided, single submitter. Criteria: GeneDx Variant Classification Process June 2021. Collection method: clinical testing. Allele origin: germline. Affected: yes.

Genome Diagnostics Laboratory, The Hospital for Sick Children
Classification: Likely benign for Kidney disorder. Last evaluated: 2018-05-01. Review status: criteria provided, single submitter. Criteria: ACMG Guidelines, 2015. Collection method: clinical testing. Allele origin: germline.

Illumina Laboratory Services, Illumina
Classification: Uncertain significance for Alport syndrome. Last evaluated: 2018-01-13. Review status: criteria provided, single submitter. Criteria: ICSL Variant Classification Criteria 13 December 2019. Collection method: clinical testing. Allele origin: germline.

PreventionGenetics, part of Exact Sciences
Classification: Benign for COL4A4-related condition. Last evaluated: 2022-03-02. Review status: no assertion criteria provided. Collection method: clinical testing. Allele origin: germline. Not counted in ClinVar's aggregate classification.
Comment: This variant is classified as benign based on ACMG/AMP sequence variant interpretation guidelines (Richards et al. 2015 PMID: 25741868, with internal and published modifications).

Natera, Inc.
Classification: Benign for Alport syndrome. Last evaluated: 2020-05-02. Review status: no assertion criteria provided. Collection method: clinical testing. Allele origin: germline. Not counted in ClinVar's aggregate classification.

Clinical Genetics DNA and cytogenetics Diagnostics Lab, Erasmus MC, Erasmus Medical Center
Classification: Likely benign. Review status: no assertion criteria provided. Collection method: clinical testing. Allele origin: germline. Affected: yes. Study: VKGL Data-share Consensus. Not counted in ClinVar's aggregate classification.

Joint Genome Diagnostic Labs from Nijmegen and Maastricht, Radboudumc and MUMC+
Classification: Likely benign. Review status: no assertion criteria provided. Collection method: clinical testing. Allele origin: germline. Affected: yes. Study: VKGL Data-share Consensus. Not counted in ClinVar's aggregate classification.

NM_000092.5(COL4A4):c.4152G>A (p.Ala1384=)

Gene: COL4A4 (collagen type IV alpha 4 chain; minus strand). Cytogenetic location: 2q36.3.
Variant type: single nucleotide variant.
Coding change: c.4152G>A on transcript NM_000092.5 (MANE Select); coding-DNA position 4152, G replaced by A.
Protein change: p.Ala1384=; no amino-acid change (alanine 1384 retained).
Molecular consequence: synonymous variant.
Genome position (GRCh38, 1-based): chr2:227,022,112, C>T on the plus strand (G>A on the coding strand, the complement: COL4A4 is on the minus strand). VCF-style: chr2-227022112-C-T. GRCh37 (hg19) VCF-style: chr2-227886828-C-T.
Identifiers: ClinVar variation 778018 (VCV000778018.35), dbSNP rs75398993, ClinGen allele CA2144264.